The following is an entry in ClinVar:

ClinVar aggregate classification (germline): Uncertain significance. Review status: criteria provided, multiple submitters, no conflicts (2 of 4 stars). 2 submissions from 2 submitters: Uncertain significance (2). Last evaluated 2025-03-18.

gnomAD v4.1: 2 of 1,613,602 alleles (0.00012%); highest among the groups gnomAD compares: East Asian, 0.0022%; no homozygotes.

Submissions (2):

Ambry Genetics
Classification: Uncertain significance. Last evaluated: 2025-03-18. Review status: criteria provided, single submitter. Criteria: Ambry Variant Classification Scheme 2023. Collection method: clinical testing. Allele origin: germline.
Comment: The p.Y684H variant (also known as c.2050T>C), located in coding exon 13 of the GEN1 gene, results from a T to C substitution at nucleotide position 2050. The tyrosine at codon 684 is replaced by histidine, an amino acid with similar properties. This amino acid position is conserved. In addition, this alteration is predicted to be tolerated by in silico analysis. Based on the available evidence, the clinical significance of this variant remains unclear.

Labcorp Genetics (formerly Invitae), Labcorp
Classification: Uncertain significance. Last evaluated: 2024-05-15. Review status: criteria provided, single submitter. Criteria: Invitae Variant Classification Sherloc (09022015). Collection method: clinical testing. Allele origin: germline.
Comment: This sequence change replaces tyrosine, which is neutral and polar, with histidine, which is basic and polar, at codon 684 of the GEN1 protein (p.Tyr684His). This variant is not present in population databases (gnomAD no frequency). This variant has not been reported in the literature in individuals affected with GEN1-related conditions. Algorithms developed to predict the effect of missense changes on protein structure and function output the following: SIFT: "Not Available"; PolyPhen-2: "Benign"; Align-GVGD: "Not Available". The histidine amino acid residue is found in multiple mammalian species, which suggests that this missense change does not adversely affect protein function. In summary, the available evidence is currently insufficient to determine the role of this variant in disease. Therefore, it has been classified as a Variant of Uncertain Significance.

NM_001130009.3(GEN1):c.2050T>C (p.Tyr684His)

Gene: GEN1 (GEN1 structure-specific endonuclease; plus strand). Cytogenetic location: 2p24.2.
Variant type: single nucleotide variant.
Coding change: c.2050T>C on transcript NM_001130009.3 (MANE Select); coding-DNA position 2050, T replaced by C.
Protein change: p.Tyr684His; replaces tyrosine 684 with histidine.
Molecular consequence: missense variant.
Genome position (GRCh38, 1-based): chr2:17,781,262, T>C. VCF-style: chr2-17781262-T-C. GRCh37 (hg19) VCF-style: chr2-17962529-T-C.
Other names: c.2050T>C, p.Tyr684His (NM_182625.5); c.2050T>C (NM_001130009.1); short protein forms Y684H.
Identifiers: ClinVar variation 3610237 (VCV003610237.3).